The following is an entry in ClinVar:

ClinVar aggregate classification (germline): Uncertain significance (1 of 4 stars; one submission).

Submission:

Women's Health and Genetics/Laboratory Corporation of America, LabCorp
Classification: Uncertain significance. Last evaluated: 2023-01-04. Review status: criteria provided, single submitter. Criteria: LabCorp Variant Classification Summary - May 2015. Collection method: clinical testing. Allele origin: germline.
Comment: Variant summary: MAN2B1 c.2977dupG (p.Glu993GlyfsX57+) causes a frameshift which results in an extension of the protein. The variant was absent in 251486 control chromosomes (gnomAD). To our knowledge, no occurrence of c.2977dupG in individuals affected with Alpha-Mannosidosis and no experimental evidence demonstrating its impact on protein function have been reported. No clinical diagnostic laboratories have submitted clinical-significance assessments for this variant to ClinVar after 2014. Based on the evidence outlined above, the variant was classified as uncertain signifiance.

NM_000528.4(MAN2B1):c.2977dup (p.Glu993fs)

Gene: MAN2B1 (mannosidase alpha class 2B member 1; minus strand). Cytogenetic location: 19p13.13.
Variant type: Duplication.
Coding change: c.2977dup on transcript NM_000528.4 (MANE Select); coding-DNA position 2977, one base duplicated (G; older notation c.2977dupG).
Protein change: p.Glu993fs; shifts the reading frame from glutamic acid 993.
Molecular consequence: frameshift variant.
Genome position (GRCh38, 1-based): chr19:12,646,679, C duplicated on the plus strand (G on the coding strand, the reverse complement: MAN2B1 is on the minus strand); the first of 2 consecutive C bases (chr19:12,646,679-12,646,680); duplicating either gives the same sequence. VCF-style (leftmost placement, unchanged base first): chr19-12646678-T-TC. GRCh37 (hg19) VCF-style: chr19-12757492-T-TC.
Other names: c.2974dup, p.Glu992fs (NM_001173498.2); short protein forms E992fs, E993fs.
Identifiers: ClinVar variation 2429160 (VCV002429160.3), dbSNP rs2512483228, ClinGen allele CA2580096473.